The following is an entry in ClinVar:

ClinVar aggregate classification (germline): Likely benign (1 of 4 stars; one submission).

Conditions:
Aicardi-Goutieres syndrome 2. Identifiers: Orphanet 51, MedGen C3489724, MONDO:0012429, OMIM 610181.

Allele frequency attached by ClinVar (database versions not stated): 1000 Genomes Project 30x 0.00047; 1000 Genomes Project 0.00060; gnomAD 0.00090 and 0.00094; TOPMed 0.00107.
gnomAD v4.1: 894 of 821,614 alleles (0.11%); highest among the groups gnomAD compares: Middle Eastern, 0.18%; 3 homozygotes.

Submission:

Illumina Laboratory Services, Illumina
Classification: Likely benign for Aicardi-Goutieres syndrome 2. Last evaluated: 2018-01-13. Review status: criteria provided, single submitter. Criteria: ICSL Variant Classification Criteria 13 December 2019. Collection method: clinical testing. Allele origin: germline.
Comment: This variant was observed in the ICSL laboratory as part of a predisposition screen in an ostensibly healthy population. It had not been previously curated by ICSL or reported in the Human Gene Mutation Database (HGMD: prior to June 1st, 2018), and was therefore a candidate for classification through an automated scoring system. Utilizing variant allele frequency, disease prevalence and penetrance estimates, and inheritance mode, an automated score was calculated to assess if this variant is too frequent to cause the disease. Based on the score and internal cut-off values, a variant classified as likely benign is not then subjected to further curation. The score for this variant resulted in a classification of likely benign for this disease.

NM_024570.4(RNASEH2B):c.-117C>G

Genes: RNASEH2B (ribonuclease H2 subunit B; plus strand), RNASEH2B-AS1 (RNASEH2B antisense RNA 1; minus strand), LOC130009809 (ATAC-STARR-seq lymphoblastoid silent region 5361; plus strand). Cytogenetic location: 13q14.3.
Variant type: single nucleotide variant.
Coding change: c.-117C>G on transcript NM_024570.4 (MANE Select); 117 bases upstream of the start codon, C replaced by G.
Molecular consequence: 5 prime UTR variant.
Genome position (GRCh38, 1-based): chr13:50,909,960, C>G. VCF-style: chr13-50909960-C-G. GRCh37 (hg19) VCF-style: chr13-51484096-C-G.
Other names: c.-117C>G (NM_001142279.2).
Identifiers: ClinVar variation 312326 (VCV000312326.5), dbSNP rs553446261, ClinGen allele CA10634458.